The following is an entry in ClinVar:

NM_000057.4(BLM):c.1221-7T>G

Gene: BLM (BLM RecQ like helicase; plus strand). Cytogenetic location: 15q26.1.
Variant type: single nucleotide variant.
Coding change: c.1221-7T>G on transcript NM_000057.4 (MANE Select); 7 bases into the intron before coding-DNA position 1221, T replaced by G.
Molecular consequence: intron variant.
Genome position (GRCh38, 1-based): chr15:90,760,587, T>G. VCF-style: chr15-90760587-T-G. GRCh37 (hg19) VCF-style: chr15-91303817-T-G.
Other names: c.1221-7T>G (NM_001287246.2, NM_001287247.2); c.96-7T>G (NM_001287248.2).
Identifiers: ClinVar variation 2708107 (VCV002708107.3), dbSNP rs2505423790, ClinGen allele CA2697549333.

ClinVar aggregate classification (germline): Uncertain significance (1 of 4 stars; one submission).

Conditions:
Bloom syndrome (BLM). Also called: Bloom-Torre-Machacek syndrome. Identifiers: Orphanet 125, MedGen C0005859, MONDO:0008876, OMIM 210900.

Submission:

Labcorp Genetics (formerly Invitae), Labcorp
Classification: Uncertain significance for Bloom syndrome. Last evaluated: 2024-01-07. Review status: criteria provided, single submitter. Criteria: Invitae Variant Classification Sherloc (09022015). Collection method: clinical testing. Allele origin: germline.
Comment: This sequence change falls in intron 6 of the BLM gene. It does not directly change the encoded amino acid sequence of the BLM protein. This variant is not present in population databases (gnomAD no frequency). This variant has not been reported in the literature in individuals affected with BLM-related conditions. Studies have shown that this variant is associated with inconclusive levels of altered splicing (Invitae). In summary, the available evidence is currently insufficient to determine the role of this variant in disease. Therefore, it has been classified as a Variant of Uncertain Significance.